The following is an entry in ClinVar:

ClinVar aggregate classification (germline): Uncertain significance (1 of 4 stars; one submission).

Conditions:
EP300-related disorder. Also called: EP300-related disorders; EP300-related condition.

gnomAD v4.1: 1 of 1,614,242 alleles (0.000062%); highest among the groups gnomAD compares: Non-Finnish European, 0.000085%; no homozygotes.

Submission:

PreventionGenetics, part of Exact Sciences
Classification: Uncertain significance for EP300-related condition. Last evaluated: 2024-12-17. Review status: criteria provided, single submitter. Criteria: ACMG Guidelines, 2015. Collection method: clinical testing. Allele origin: germline.
Comment: The EP300 c.7171A>G variant is predicted to result in the amino acid substitution p.Thr2391Ala. To our knowledge, this variant has not been reported in the literature or in a large population database (gnomAD), indicating this variant is rare. At this time, the clinical significance of this variant is uncertain due to the absence of conclusive functional and genetic evidence.

NM_001429.4(EP300):c.7171A>G (p.Thr2391Ala)

Gene: EP300 (EP300 lysine acetyltransferase; plus strand). Cytogenetic location: 22q13.2.
Variant type: single nucleotide variant.
Coding change: c.7171A>G on transcript NM_001429.4 (MANE Select); coding-DNA position 7171, A replaced by G.
Protein change: p.Thr2391Ala; replaces threonine 2391 with alanine.
Molecular consequence: missense variant.
Genome position (GRCh38, 1-based): chr22:41,178,882, A>G. VCF-style: chr22-41178882-A-G. GRCh37 (hg19) VCF-style: chr22-41574886-A-G.
Other names: c.7093A>G, p.Thr2365Ala (NM_001362843.2); short protein forms T2365A, T2391A.
Identifiers: ClinVar variation 5002561 (VCV005002561.1).